The following is an entry in ClinVar:

ClinVar aggregate classification (germline): Uncertain significance. Review status: criteria provided, multiple submitters, no conflicts (2 of 4 stars). 2 submissions from 2 submitters: Uncertain significance (2). Last evaluated 2025-12-28.

Conditions:
2-aminoadipic 2-oxoadipic aciduria (AAKAD). Also called: Aminoadipic aciduria; ALPHA-AMINOADIPIC AND ALPHA-KETOADIPIC ACIDURIA. Identifiers: Orphanet 79154, MedGen C1859817, MONDO:0008774, OMIM 204750.
Inborn genetic diseases. Identifiers: MedGen C0950123, MeSH D030342.

Allele frequency attached by ClinVar (database versions not stated): ExAC 0.00003; gnomAD exomes 0.00003 and 0.00009; gnomAD 0.00006 and 0.00007; TOPMed 0.00007; 1000 Genomes Project 30x 0.00031; 1000 Genomes Project 0.00040.

Submissions (2):

Labcorp Genetics (formerly Invitae), Labcorp
Classification: Uncertain significance for 2-aminoadipic 2-oxoadipic aciduria. Last evaluated: 2025-12-28. Review status: criteria provided, single submitter. Criteria: Invitae Variant Classification Sherloc (09022015). Collection method: clinical testing. Allele origin: germline.
Comment: This sequence change replaces alanine, which is neutral and non-polar, with threonine, which is neutral and polar, at codon 574 of the DHTKD1 protein (p.Ala574Thr). This variant is present in population databases (rs200095700, gnomAD 0.007%). This variant has not been reported in the literature in individuals affected with DHTKD1-related conditions. ClinVar contains an entry for this variant (Variation ID: 1427309). Invitae Evidence Modeling of protein sequence and biophysical properties (such as structural, functional, and spatial information, amino acid conservation, physicochemical variation, residue mobility, and thermodynamic stability) indicates that this missense variant is not expected to disrupt DHTKD1 protein function with a negative predictive value of 80%. In summary, the available evidence is currently insufficient to determine the role of this variant in disease. Therefore, it has been classified as a Variant of Uncertain Significance.

Ambry Genetics
Classification: Uncertain significance for Inborn genetic diseases. Last evaluated: 2023-01-31. Review status: criteria provided, single submitter. Criteria: Ambry Variant Classification Scheme 2023. Collection method: clinical testing. Allele origin: germline.

NM_018706.7(DHTKD1):c.1720G>A (p.Ala574Thr)

Gene: DHTKD1 (dehydrogenase E1 and transketolase domain containing 1; plus strand). Cytogenetic location: 10p14.
Variant type: single nucleotide variant.
Coding change: c.1720G>A on transcript NM_018706.7 (MANE Select); coding-DNA position 1720, G replaced by A.
Protein change: p.Ala574Thr; replaces alanine 574 with threonine.
Molecular consequence: missense variant.
Genome position (GRCh38, 1-based): chr10:12,100,226, G>A. VCF-style: chr10-12100226-G-A. GRCh37 (hg19) VCF-style: chr10-12142225-G-A.
Other names: c.1720G>A (NM_018706.5); short protein forms A574T.
Identifiers: ClinVar variation 1427309 (VCV001427309.7), dbSNP rs200095700, ClinGen allele CA5407939.